The following is an entry in ClinVar:

NM_080546.5(SLC44A1):c.330A>G (p.Val110=)

Gene: SLC44A1 (solute carrier family 44 member 1; plus strand). Cytogenetic location: 9q31.1.
Variant type: single nucleotide variant.
Coding change: c.330A>G on transcript NM_080546.5 (MANE Select); coding-DNA position 330, A replaced by G.
Protein change: p.Val110=; no amino-acid change (valine 110 retained).
Molecular consequence: synonymous variant.
Genome position (GRCh38, 1-based): chr9:105,335,623, A>G. VCF-style: chr9-105335623-A-G. GRCh37 (hg19) VCF-style: chr9-108097904-A-G.
Other names: c.330A>G, p.Val110= (NM_001286730.2, NM_001330731.2).
Identifiers: ClinVar variation 3039509 (VCV003039509.8), dbSNP rs371161493, ClinGen allele CA5169627.
Genomic context (GRCh38, chr9:105,335,623, plus strand): 5'-GTATGTATTCTTTTTGGATCCATGCAACCTGGACTTGATAAACCGGAAGATTAAGTCTGT[A>G]GCACTGTGTGTAGCAGCGTGTCCAAGGCAAGAACTGAAAACTCTGAGTGATGTTCAGAAG-3'
Protein context (NP_536856.2, residues 100-120): LDLINRKIKS[Val110=]ALCVAACPRQ

ClinVar aggregate classification (germline): Likely benign. Review status: criteria provided, single submitter (1 of 4 stars). 2 submissions from 2 submitters: Likely benign (1). 1 of the submissions does not count toward it. Last evaluated 2025-10-01.

Conditions:
SLC44A1-related disorder. Also called: SLC44A1-related condition.

Allele frequency attached by ClinVar (database versions not stated): gnomAD 0.00004; gnomAD exomes 0.00004; TOPMed 0.00008; ExAC 0.00011.
gnomAD v4.1: 78 of 1,613,586 alleles (0.0048%); highest among the groups gnomAD compares: East Asian, 0.13%; no homozygotes.

Submissions (2):

CeGaT Center for Human Genetics Tuebingen
Classification: Likely benign. Last evaluated: 2025-10-01. Review status: criteria provided, single submitter. Criteria: CeGaT Center For Human Genetics Tuebingen Variant Classification Criteria Version 2. Collection method: clinical testing. Allele origin: germline. Affected: yes. Observed: 1 variant allele.
Comment: SLC44A1: BP4, BP7

PreventionGenetics, part of Exact Sciences
Classification: Likely benign for SLC44A1-related condition. Last evaluated: 2019-05-23. Review status: no assertion criteria provided. Collection method: clinical testing. Allele origin: germline. Not counted in ClinVar's aggregate classification.
Comment: This variant is classified as likely benign based on ACMG/AMP sequence variant interpretation guidelines (Richards et al. 2015 PMID: 25741868, with internal and published modifications).